The following is an entry in ClinVar:

NM_006767.4(LZTR1):c.1214G>C (p.Gly405Ala)

Gene: LZTR1 (leucine zipper like post translational regulator 1; plus strand). Cytogenetic location: 22q11.21.
Variant type: single nucleotide variant.
Coding change: c.1214G>C on transcript NM_006767.4 (MANE Select); coding-DNA position 1214, G replaced by C.
Protein change: p.Gly405Ala; replaces glycine 405 with alanine.
Molecular consequence: missense variant.
Genome position (GRCh38, 1-based): chr22:20,992,858, G>C. VCF-style: chr22-20992858-G-C. GRCh37 (hg19) VCF-style: chr22-21347147-G-C.
Other names: c.1214G>C (NM_006767.3); short protein forms G405A.
Identifiers: ClinVar variation 1921184 (VCV001921184.7), dbSNP rs748190695, ClinGen allele CA410773945.
Genomic context (GRCh38, chr22:20,992,858, plus strand): 5'-CCAGTGGGAGGCTCTTCCACGCGGCTGCTGTCATCTCGGACGCCATGTACATCTTCGGGG[G>C]CACGGTGGACAACAACATCCGCAGCGGGGAGATGTACAGGTTCCAGGTGTGGGGCCTGTG-3'
Protein context (NP_006758.2, residues 395-415): VISDAMYIFG[Gly405Ala]TVDNNIRSGE

ClinVar aggregate classification (germline): Conflicting classifications of pathogenicity. Review status: criteria provided, conflicting classifications (1 of 4 stars). 3 submissions from 3 submitters: Likely pathogenic (1); Uncertain significance (2). Last evaluated 2024-06-18.

Conditions:
Noonan syndrome 10 (NS10). Identifiers: Orphanet 648, MedGen C4225280, MONDO:0014693, OMIM 616564.
Noonan syndrome 2 (NS2). Identifiers: Orphanet 648, MedGen C1854469, MONDO:0011531, OMIM 605275.

Submissions (3):

Department of Pathology and Laboratory Medicine, Sinai Health System
Classification: Uncertain significance for Noonan syndrome 10; Noonan syndrome 2. Last evaluated: 2024-06-18. Review status: criteria provided, single submitter. Criteria: ACMG Guidelines, 2015. Collection method: clinical testing. Allele origin: germline. Affected: yes.

GeneDx
Classification: Uncertain significance. Last evaluated: 2024-03-11. Review status: criteria provided, single submitter. Criteria: GeneDx Variant Classification Process June 2021. Collection method: clinical testing. Allele origin: germline. Affected: yes.
Comment: Not observed at significant frequency in large population cohorts (gnomAD); In silico analysis supports that this missense variant has a deleterious effect on protein structure/function; Has not been previously published as pathogenic or benign to our knowledge

Labcorp Genetics (formerly Invitae), Labcorp
Classification: Likely pathogenic. Last evaluated: 2022-10-03. Review status: criteria provided, single submitter. Criteria: Invitae Variant Classification Sherloc (09022015). Collection method: clinical testing. Allele origin: germline.
Comment: In summary, the currently available evidence indicates that the variant is pathogenic, but additional data are needed to prove that conclusively. Therefore, this variant has been classified as Likely Pathogenic. This variant disrupts the p.Gly405 amino acid residue in LZTR1. Other variant(s) that disrupt this residue have been observed in individuals with LZTR1-related conditions (Invitae), which suggests that this may be a clinically significant amino acid residue. Advanced modeling of protein sequence and biophysical properties (such as structural, functional, and spatial information, amino acid conservation, physicochemical variation, residue mobility, and thermodynamic stability) performed at Invitae indicates that this missense variant is not expected to disrupt LZTR1 protein function. This missense change has been observed in individual(s) with Noonan syndrome (Invitae). It has also been observed to segregate with disease in related individuals. This variant is not present in population databases (gnomAD no frequency). This sequence change replaces glycine, which is neutral and non-polar, with alanine, which is neutral and non-polar, at codon 405 of the LZTR1 protein (p.Gly405Ala).